The following is an entry in ClinVar:

NM_004380.3(CREBBP):c.5152T>G (p.Trp1718Gly)

Gene: CREBBP (CREB binding lysine acetyltransferase; minus strand). Cytogenetic location: 16p13.3.
Variant type: single nucleotide variant.
Coding change: c.5152T>G on transcript NM_004380.3 (MANE Select); coding-DNA position 5152, T replaced by G.
Protein change: p.Trp1718Gly; replaces tryptophan 1718 with glycine.
Molecular consequence: missense variant.
Genome position (GRCh38, 1-based): chr16:3,731,212, A>C on the plus strand (T>G on the coding strand, the complement: CREBBP is on the minus strand). VCF-style: chr16-3731212-A-C. GRCh37 (hg19) VCF-style: chr16-3781213-A-C.
Other names: c.5038T>G, p.Trp1680Gly (NM_001079846.1); short protein forms W1680G, W1718G.
Identifiers: ClinVar variation 4530112 (VCV004530112.1).
Genomic context (GRCh38, chr16:3,731,212, plus strand): 5'-CCAGGCCGGCTGTGGGGGTGGGGGTGGGGGCAGGGCCTACCTCGCACACAGTGCAGTGCC[A>C]GCGCGTCTCCACGTGGTGCTTGCACTCGTTGCAGGTGTAGACAAAGCGGTCCTGGCCCTG-3'
Protein context (NP_004371.2, residues 1708-1728): NECKHHVETR[Trp1718Gly]HCTVCEDYDL

ClinVar aggregate classification (somatic clinical impact): Tier II - Potential (1 of 4 stars; one submission).

Conditions:
Acute myeloid leukemia (AML). Also called: Acute myeloid leukemia, adult; AML adult; Acute non-lymphocytic leukemia; Acute granulocytic leukemia; Leukemia, acute myeloid, somatic; Leukemia, acute myelogenous, somatic. Identifiers: Orphanet 519, MedGen C0023467, MeSH D015470, MONDO:0018874, OMIM 601626, HP:0004808. Disease mechanism: Constitutively activated FLT3.

Submission:

Institute for Genomic Medicine (IGM) Clinical Laboratory, Nationwide Children's Hospital
Classification: Tier II - Potential for Acute myeloid leukemia. Assertion type: diagnostic. Clinical significance: supports diagnosis. Last evaluated: 2023-05-04. Review status: criteria provided, single submitter. Criteria: AMP/ASCO/CAP Guidelines, 2017. Collection method: clinical testing. Allele origin: somatic. Affected: yes.
Comment: Variant has Tier II (potential) clinical significance as a diagnostic inclusion criterion in acute myeloid leukemia, based on the following evidence: 1) Assists in diagnosis alone or along with other biomarkers based on small studies or few case reports (Evidence Level D; PMIDs: 36634304, 30942411).

Literature cited by the submitters: PubMed 36634304; PubMed 30942411.